The following is an entry in ClinVar:

ClinVar aggregate classification (germline): Uncertain significance (1 of 4 stars; one submission).

Conditions:
Neurofibromatosis, type 1 (NF1). Also called: NEUROFIBROMATOSIS, TYPE I, SOMATIC; VON RECKLINGHAUSEN DISEASE; Neurofibromatosis, type I; Peripheral type neurofibromatosis. Identifiers: Orphanet 636, MedGen C0027831, MONDO:0018975, OMIM 162200. Disease mechanism: loss of function.

Submission:

Labcorp Genetics (formerly Invitae), Labcorp
Classification: Uncertain significance for Neurofibromatosis, type 1. Last evaluated: 2021-05-20. Review status: criteria provided, single submitter. Criteria: Invitae Variant Classification Sherloc (09022015). Collection method: clinical testing. Allele origin: germline.
Comment: In summary, the available evidence is currently insufficient to determine the role of this variant in disease. Therefore, it has been classified as a Variant of Uncertain Significance. Advanced modeling of protein sequence and biophysical properties (such as structural, functional, and spatial information, amino acid conservation, physicochemical variation, residue mobility, and thermodynamic stability) performed at Invitae indicates that this missense variant is not expected to disrupt NF1 protein function. This variant has not been reported in the literature in individuals with NF1-related conditions. This variant is not present in population databases (ExAC no frequency). This sequence change replaces aspartic acid with histidine at codon 830 of the NF1 protein (p.Asp830His). The aspartic acid residue is moderately conserved and there is a moderate physicochemical difference between aspartic acid and histidine.

NM_001042492.3(NF1):c.2488G>C (p.Asp830His)

Gene: NF1 (neurofibromin 1; plus strand). Cytogenetic location: 17q11.2.
Variant type: single nucleotide variant.
Coding change: c.2488G>C on transcript NM_001042492.3 (MANE Select); coding-DNA position 2488, G replaced by C.
Protein change: p.Asp830His; replaces aspartic acid 830 with histidine.
Molecular consequence: missense variant.
Genome position (GRCh38, 1-based): chr17:31,229,103, G>C. VCF-style: chr17-31229103-G-C. GRCh37 (hg19) VCF-style: chr17-29556121-G-C.
Other names: c.2488G>C, p.Asp830His (NM_000267.4); short protein forms D830H.
Identifiers: ClinVar variation 1355721 (VCV001355721.8), dbSNP rs2151428966, ClinGen allele CA398984051.